The following is an entry in ClinVar:

ClinVar aggregate classification (germline): Benign. Review status: criteria provided, single submitter (1 of 4 stars). 2 submissions from 2 submitters: Benign (1). 1 of the submissions does not count toward it. Last evaluated 2025-11-09.

Conditions:
MICOS13-related disorder. Also called: MICOS13-related condition.

Submissions (2):

Labcorp Genetics (formerly Invitae), Labcorp
Classification: Benign. Last evaluated: 2025-11-09. Review status: criteria provided, single submitter. Criteria: Invitae Variant Classification Sherloc (09022015). Collection method: clinical testing. Allele origin: germline.

PreventionGenetics, part of Exact Sciences
Classification: Likely benign for MICOS13-related condition. Last evaluated: 2019-05-23. Review status: no assertion criteria provided. Collection method: clinical testing. Allele origin: germline. Not counted in ClinVar's aggregate classification.
Comment: This variant is classified as likely benign based on ACMG/AMP sequence variant interpretation guidelines (Richards et al. 2015 PMID: 25741868, with internal and published modifications).

NM_205767.3(MICOS13):c.208-7_208-6del

Gene: MICOS13 (mitochondrial contact site and cristae organizing system subunit 13; minus strand). Cytogenetic location: 19p13.3.
Variant type: Deletion.
Coding change: c.208-7_208-6del on transcript NM_205767.3 (MANE Select); 7 bases into the intron before coding-DNA position 208 through 6 bases into the intron before coding-DNA position 208, 2 bases deleted (TT; older notation c.208-7_208-6delTT).
Molecular consequence: intron variant.
Genome position (GRCh38, 1-based): chr19:5,679,402-5,679,403, AA deleted on the plus strand (TT on the coding strand, the reverse complement: MICOS13 is on the minus strand); deleting any 2 consecutive bases within chr19:5,679,402-5,679,406 gives the same sequence; the c. name uses the placement nearest the transcript's 3' end. VCF-style (leftmost placement, unchanged base first): chr19-5679401-GAA-G. GRCh37 (hg19) VCF-style: chr19-5679412-GAA-G.
Other names: c.274-7_274-6del (NM_001308240.2, NM_001365761.2); c.274-7_274-6delTT (NM_001308240.1).
Identifiers: ClinVar variation 2065825 (VCV002065825.6), dbSNP rs532140719, ClinGen allele CA9113259.